The following is an entry in ClinVar:

NM_006231.4(POLE):c.6115G>A (p.Gly2039Arg)

Gene: POLE (DNA polymerase epsilon, catalytic subunit; minus strand). Cytogenetic location: 12q24.33.
Variant type: single nucleotide variant.
Coding change: c.6115G>A on transcript NM_006231.4 (MANE Select); coding-DNA position 6115, G replaced by A.
Protein change: p.Gly2039Arg; replaces glycine 2039 with arginine.
Molecular consequence: missense variant.
Genome position (GRCh38, 1-based): chr12:132,632,685, C>T on the plus strand (G>A on the coding strand, the complement: POLE is on the minus strand). VCF-style: chr12-132632685-C-T. GRCh37 (hg19) VCF-style: chr12-133209271-C-T.
Other names: short protein forms G2039R.
Identifiers: ClinVar variation 3638985 (VCV003638985.2).

ClinVar aggregate classification (germline): Uncertain significance (1 of 4 stars; one submission).

Submission:

Labcorp Genetics (formerly Invitae), Labcorp
Classification: Uncertain significance. Last evaluated: 2024-08-19. Review status: criteria provided, single submitter. Criteria: Invitae Variant Classification Sherloc (09022015). Collection method: clinical testing. Allele origin: germline.
Comment: This sequence change replaces glycine, which is neutral and non-polar, with arginine, which is basic and polar, at codon 2039 of the POLE protein (p.Gly2039Arg). This variant is not present in population databases (gnomAD no frequency). This variant has not been reported in the literature in individuals affected with POLE-related conditions. Invitae Evidence Modeling of protein sequence and biophysical properties (such as structural, functional, and spatial information, amino acid conservation, physicochemical variation, residue mobility, and thermodynamic stability) indicates that this missense variant is not expected to disrupt POLE protein function with a negative predictive value of 80%. In summary, the available evidence is currently insufficient to determine the role of this variant in disease. Therefore, it has been classified as a Variant of Uncertain Significance.